The following is an entry in ClinVar:

ClinVar aggregate classification (germline): Uncertain significance (1 of 4 stars; one submission).

Allele frequency attached by ClinVar (database versions not stated): gnomAD exomes below 0.00001.

Submission:

Labcorp Genetics (formerly Invitae), Labcorp
Classification: Uncertain significance. Last evaluated: 2023-12-27. Review status: criteria provided, single submitter. Criteria: Invitae Variant Classification Sherloc (09022015). Collection method: clinical testing. Allele origin: germline.
Comment: This sequence change affects the initiator methionine of the ITGB3 mRNA. The next in-frame methionine is located at codon 48. This variant is not present in population databases (gnomAD no frequency). Disruption of the initiator codon has been observed in individual(s) with Glanzmann thrombasthenia (PMID: 31029159). This variant disrupts a region of the ITGB3 protein in which other variant(s) (p.Cys39Gly) have been observed in individuals with ITGB3-related conditions (PMID: 16463284). This suggests that this is a clinically significant region of the protein, and that variants that disrupt it are likely to be disease-causing. In summary, the available evidence is currently insufficient to determine the role of this variant in disease. Therefore, it has been classified as a Variant of Uncertain Significance.

Literature cited by the submitters: PubMed 31029159; PubMed 16463284.

NM_000212.3(ITGB3):c.1A>T (p.Met1Leu)

Genes: ITGB3 (integrin subunit beta 3; plus strand), LOC130061041 (ATAC-STARR-seq lymphoblastoid silent region 8624; plus strand). Cytogenetic location: 17q21.32.
Variant type: single nucleotide variant.
Coding change: c.1A>T on transcript NM_000212.3 (MANE Select); coding-DNA position 1, A replaced by T.
Protein change: p.Met1Leu; changes the start codon (methionine 1).
Molecular consequence: missense variant, initiator codon variant.
Genome position (GRCh38, 1-based): chr17:47,253,862, A>T. VCF-style: chr17-47253862-A-T. GRCh37 (hg19) VCF-style: chr17-45331228-A-T.
Other names: short protein forms M1L.
Identifiers: ClinVar variation 3007613 (VCV003007613.3), dbSNP rs2064976742, ClinGen allele CA400028177.